The following is an entry in ClinVar:

NM_001042492.3(NF1):c.2064dup (p.Val689fs)

Gene: NF1 (neurofibromin 1; plus strand). Cytogenetic location: 17q11.2.
Variant type: Duplication.
Coding change: c.2064dup on transcript NM_001042492.3 (MANE Select); coding-DNA position 2064, one base duplicated (A; older notation c.2064dupA).
Protein change: p.Val689fs; shifts the reading frame from valine 689.
Molecular consequence: frameshift variant.
Genome position (GRCh38, 1-based): chr17:31,226,497, A duplicated; the last of 2 consecutive A bases (chr17:31,226,496-31,226,497); duplicating either gives the same sequence. VCF-style (leftmost placement, unchanged base first): chr17-31226495-G-GA. GRCh37 (hg19) VCF-style: chr17-29553513-G-GA.
Other names: c.2064dupA (NM_000267.3); c.2064dup, p.Val689Serfs (NM_000267.4); short protein forms V689fs.
Identifiers: ClinVar variation 457561 (VCV000457561.5), dbSNP rs1555613786, ClinGen allele CA658656604.

ClinVar aggregate classification (germline): Pathogenic (1 of 4 stars; one submission).

Conditions:
Neurofibromatosis, type 1 (NF1). Also called: VON RECKLINGHAUSEN DISEASE; NEUROFIBROMATOSIS, TYPE I, SOMATIC; Peripheral type neurofibromatosis; Neurofibromatosis, type I. Identifiers: Orphanet 636, MedGen C0027831, MONDO:0018975, OMIM 162200. Disease mechanism: loss of function.

Submission:

Labcorp Genetics (formerly Invitae), Labcorp
Classification: Pathogenic for Neurofibromatosis, type 1. Last evaluated: 2017-02-16. Review status: criteria provided, single submitter. Criteria: Invitae Variant Classification Sherloc (09022015). Collection method: clinical testing. Allele origin: germline.
Comment: For these reasons, this variant has been classified as Pathogenic. While this particular variant has not been reported in the literature, loss-of-function variants in NF1 are known to be pathogenic (PMID: 10712197, 23913538). This sequence change inserts 1 nucleotide in exon 18 of the NF1 mRNA (c.2064dupA), causing a frameshift at codon 689. This creates a premature translational stop signal (p.Val689Serfs*11) and is expected to result in an absent or disrupted protein product.

Literature cited by the submitters: PubMed 10712197; PubMed 23913538.